The following is an entry in ClinVar:

NM_001166108.2(PALLD):c.1965-12882T>A

Gene: PALLD (palladin, cytoskeletal associated protein; plus strand). Cytogenetic location: 4q32.3.
Variant type: single nucleotide variant.
Coding change: c.1965-12882T>A on transcript NM_001166108.2 (MANE Select); 12882 bases into the intron before coding-DNA position 1965, T replaced by A.
Molecular consequence: intron variant. On other transcripts: missense variant (1).
Genome position (GRCh38, 1-based): chr4:168,878,040, T>A. VCF-style: chr4-168878040-T-A. GRCh37 (hg19) VCF-style: chr4-169799191-T-A.
Other names: c.149T>A, p.Leu50His (NM_001166110.2); c.1965-12882T>A (NM_016081.4); c.819-12882T>A (NM_001166109.2); c.-157-12882T>A (NM_001367570.1, NM_001367568.1, NM_001367567.1 and 1 more transcripts); c.149T>A (NM_001166110.1); short protein forms L50H.
Identifiers: ClinVar variation 1063099 (VCV001063099.11), dbSNP rs1752027354, ClinGen allele CA358795217.

ClinVar aggregate classification (germline): Uncertain significance. Review status: criteria provided, multiple submitters, no conflicts (2 of 4 stars). 2 submissions from 2 submitters: Uncertain significance (2). Last evaluated 2025-05-12.

Conditions:
Pancreatic adenocarcinoma. Identifiers: MedGen C0281361, MONDO:0006047, HP:0006725.

Allele frequency attached by ClinVar (database versions not stated): gnomAD exomes below 0.00001.
gnomAD v4.1: 2 of 1,486,814 alleles (0.00013%); highest among the groups gnomAD compares: East Asian, 0.0029%; no homozygotes.

Submissions (2):

Labcorp Genetics (formerly Invitae), Labcorp
Classification: Uncertain significance for Pancreatic adenocarcinoma. Last evaluated: 2025-05-12. Review status: criteria provided, single submitter. Criteria: Invitae Variant Classification Sherloc (09022015). Collection method: clinical testing. Allele origin: germline.
Comment: This sequence change replaces leucine, which is neutral and non-polar, with histidine, which is basic and polar, at codon 50 of the PALLD protein (p.Leu50His). This variant is not present in population databases (gnomAD no frequency). This variant has not been reported in the literature in individuals affected with PALLD-related conditions. ClinVar contains an entry for this variant (Variation ID: 1063099). An algorithm developed to predict the effect of missense changes on protein structure and function (PolyPhen-2) suggests that this variant is likely to be disruptive. In summary, the available evidence is currently insufficient to determine the role of this variant in disease. Therefore, it has been classified as a Variant of Uncertain Significance.

Ambry Genetics
Classification: Uncertain significance. Last evaluated: 2024-12-13. Review status: criteria provided, single submitter. Criteria: Ambry Variant Classification Scheme 2023. Collection method: clinical testing. Allele origin: germline.
Comment: The p.L50H variant (also known as c.149T>A), located in coding exon 1 of the PALLD gene, results from a T to A substitution at nucleotide position 149. The leucine at codon 50 is replaced by histidine, an amino acid with similar properties. This amino acid position is well conserved in available vertebrate species. In addition, the in silico prediction for this alteration is inconclusive. The evidence for this gene-disease relationship is limited; therefore, the clinical significance of this alteration is unclear.